The following is an entry in ClinVar:

ClinVar aggregate classification (germline): Uncertain significance (1 of 4 stars; one submission).

Conditions:
Charcot-Marie-Tooth disease type 4. Also called: Charcot-Marie-Tooth, Type 4; Charcot-Marie-Tooth disease, type IV. Identifiers: Orphanet 64749, MedGen C4082197, MONDO:0018995.

Submission:

Labcorp Genetics (formerly Invitae), Labcorp
Classification: Uncertain significance for Charcot-Marie-Tooth disease type 4. Last evaluated: 2022-06-25. Review status: criteria provided, single submitter. Criteria: Invitae Variant Classification Sherloc (09022015). Collection method: clinical testing. Allele origin: germline.
Comment: This variant, c.4115_4120dup, results in the insertion of 2 amino acid(s) of the PRX protein (p.Gly1372_Arg1373dup), but otherwise preserves the integrity of the reading frame. This variant is not present in population databases (gnomAD no frequency). This variant has not been reported in the literature in individuals affected with PRX-related conditions. In summary, the available evidence is currently insufficient to determine the role of this variant in disease. Therefore, it has been classified as a Variant of Uncertain Significance.

NM_181882.3(PRX):c.4109GCCGGG[3] (p.Arg1373_Val1374insGlyArg)

Gene: PRX (periaxin; minus strand). Cytogenetic location: 19q13.2.
Variant type: Microsatellite.
Coding change: c.4109GCCGGG[3] on transcript NM_181882.3 (MANE Select); three copies in a row of the 6-base unit GCCGGG starting at c.4109; the reference has two copies in a row; one copy, 6 bases duplicated.
Protein change: p.Arg1373_Val1374insGlyArg.
Molecular consequence: inframe insertion. On other transcripts: inframe indel (1), 3 prime UTR variant (1).
Genome position (GRCh38, 1-based): chr19:40,394,232-40,394,237, CCCGGC duplicated on the plus strand (GCCGGG on the coding strand, the reverse complement: PRX is on the minus strand); duplicating any 6 consecutive bases within chr19:40,394,232-40,394,243 gives the same sequence; the position shown is the placement nearest the transcript's 3' end. VCF-style (leftmost placement, unchanged base first): chr19-40394231-A-ACCCGGC. GRCh37 (hg19) VCF-style: chr19-40900138-A-ACCCGGC.
Other names: c.4394_4399GCCGGG[3], p.Arg1468_Val1469insGlyArg (NM_001411127.1); c.*4314GCCGGG[3] (NM_020956.2).
Identifiers: ClinVar variation 1987913 (VCV001987913.1), dbSNP rs1478836340, ClinGen allele CA882212694.